The following is an entry in ClinVar:

NM_000274.4(OAT):c.520+1G>A

Gene: OAT (ornithine aminotransferase; minus strand). Cytogenetic location: 10q26.13.
Variant type: single nucleotide variant.
Coding change: c.520+1G>A on transcript NM_000274.4 (MANE Select); the canonical splice donor site of the intron after coding-DNA position 520, G replaced by A.
Molecular consequence: splice donor variant. On other transcripts: intron variant (1).
Genome position (GRCh38, 1-based): chr10:124,408,541, C>T on the plus strand (G>A on the coding strand, the complement: OAT is on the minus strand). VCF-style: chr10-124408541-C-T. GRCh37 (hg19) VCF-style: chr10-126097110-C-T.
Other names: c.520+1G>A (NM_001322965.2, NM_001322969.2, NM_001322966.2 and 3 more transcripts); c.106+1G>A (NM_001171814.2); c.-195+1G>A (NM_001322974.2); c.200-2978G>A (NM_001322971.2).
Identifiers: ClinVar variation 3591385 (VCV003591385.3).

ClinVar aggregate classification (germline): Likely pathogenic. Review status: criteria provided, multiple submitters, no conflicts (2 of 4 stars). 3 submissions from 3 submitters: Likely pathogenic (3). Last evaluated 2025-08-21.

Conditions:
Ornithine aminotransferase deficiency (GACR). Also called: Ornithine ketoacid aminotransferase deficiency; Gyrate atrophy; Gyrate atrophy of choroid and retina; Girate atrophy of the retina; OKT DEFICIENCY; HYPERORNITHINEMIA WITH GYRATE ATROPHY OF CHOROID AND RETINA. Identifiers: Orphanet 414, MedGen C0018425, MONDO:0009796, OMIM 258870.
OAT-related disorder. Also called: OAT-related condition.

gnomAD v4.1: 2 of 1,606,216 alleles (0.00012%); highest among the groups gnomAD compares: South Asian, 0.0022%; no homozygotes.

Submissions (3):

GeneDx
Classification: Likely pathogenic. Last evaluated: 2025-08-21. Review status: criteria provided, single submitter. Criteria: GeneDx Variant Classification Process June 2021. Collection method: clinical testing. Allele origin: germline. Affected: yes.
Comment: Canonical splice site variant predicted to result in an in-frame loss of the adjacent exon in a gene for which loss of function is a known mechanism of disease; Not observed at significant frequency in large population cohorts (gnomAD); This variant is associated with the following publications: (PMID: 37667371)

Blueprint Genetics
Classification: Likely pathogenic for OAT-related disorders. Last evaluated: 2024-09-23. Review status: criteria provided, single submitter. Criteria: ACMG Guidelines, 2015. Collection method: clinical testing. Allele origin: germline. Affected: yes. Observed: 1 variant allele.

Fulgent Genetics
Classification: Likely pathogenic for Ornithine aminotransferase deficiency. Last evaluated: 2024-05-07. Review status: criteria provided, single submitter. Criteria: ACMG Guidelines, 2015. Collection method: clinical testing. Allele origin: germline.